The following is an entry in ClinVar:

NM_004431.5(EPHA2):c.1314G>A (p.Glu438=)

Gene: EPHA2 (EPH receptor A2; minus strand). Cytogenetic location: 1p36.13.
Variant type: single nucleotide variant.
Coding change: c.1314G>A on transcript NM_004431.5 (MANE Select); coding-DNA position 1314, G replaced by A.
Protein change: p.Glu438=; no amino-acid change (glutamic acid 438 retained).
Molecular consequence: synonymous variant.
Genome position (GRCh38, 1-based): chr1:16,135,769, C>T on the plus strand (G>A on the coding strand, the complement: EPHA2 is on the minus strand). VCF-style: chr1-16135769-C-T. GRCh37 (hg19) VCF-style: chr1-16462264-C-T.
Other names: c.1152G>A, p.Glu384= (NM_001329090.2).
Identifiers: ClinVar variation 259387 (VCV000259387.41), dbSNP rs55700006, ClinGen allele CA625236.

ClinVar aggregate classification (germline): Benign/Likely benign. Review status: criteria provided, multiple submitters, no conflicts (2 of 4 stars). 5 submissions from 5 submitters: Benign (4); Likely benign (1). Last evaluated 2026-01-12.

Conditions:
Cataract 6 multiple types. Also called: CATARACT, AGE-RELATED CORTICAL, 2; CATARACT 6, POSTERIOR POLAR; CATARACT 6, CONGENITAL TOTAL. Identifiers: Orphanet 91492, MedGen C1861825, MONDO:0007288, OMIM 116600.

Allele frequency attached by ClinVar (database versions not stated): gnomAD exomes 0.00297 and 0.00272; ExAC 0.00331; gnomAD 0.00353 and 0.00355; 1000 Genomes Project 30x 0.00125; 1000 Genomes Project 0.00160; TOPMed 0.00164; ESP Exome Variant Server 0.00200.
gnomAD v4.1: 4,463 of 1,610,768 alleles (0.28%); highest among the groups gnomAD compares: Non-Finnish European, 0.29%; 32 homozygotes.

Submissions (5):

Labcorp Genetics (formerly Invitae), Labcorp
Classification: Benign for Cataract 6 multiple types. Last evaluated: 2026-01-12. Review status: criteria provided, single submitter. Criteria: Invitae Variant Classification Sherloc (09022015). Collection method: clinical testing. Allele origin: germline.

CeGaT Center for Human Genetics Tuebingen
Classification: Likely benign. Last evaluated: 2025-09-01. Review status: criteria provided, single submitter. Criteria: CeGaT Center For Human Genetics Tuebingen Variant Classification Criteria Version 2. Collection method: clinical testing. Allele origin: germline. Affected: yes. Observed: 3 variant alleles.
Comment: EPHA2: BP4, BP7, BS2

Illumina Laboratory Services, Illumina
Classification: Benign for Cataract 6 multiple types. Last evaluated: 2018-01-13. Review status: criteria provided, single submitter. Criteria: ICSL Variant Classification Criteria 13 December 2019. Collection method: clinical testing. Allele origin: germline.
Comment: This variant was observed in the ICSL laboratory as part of a predisposition screen in an ostensibly healthy population. It had not been previously curated by ICSL or reported in the Human Gene Mutation Database (HGMD: prior to June 1st, 2018), and was therefore a candidate for classification through an automated scoring system. Utilizing variant allele frequency, disease prevalence and penetrance estimates, and inheritance mode, an automated score was calculated to assess if this variant is too frequent to cause the disease. Based on the score and internal cut-off values, a variant classified as benign is not then subjected to further curation. The score for this variant resulted in a classification of benign for this disease.

Breakthrough Genomics
Classification: Benign. Review status: criteria provided, single submitter. Criteria: ACMG Guidelines, 2015. Collection method: not provided. Allele origin: germline. Inheritance: Autosomal dominant inheritance. Affected: yes.

PreventionGenetics, part of Exact Sciences
Classification: Benign. Review status: criteria provided, single submitter. Criteria: ACMG Guidelines, 2015. Collection method: clinical testing. Allele origin: germline.